The following is an entry in ClinVar:

NM_000465.4(BARD1):c.1554C>G (p.Ala518=)

Gene: BARD1 (BRCA1 associated RING domain 1; minus strand). Cytogenetic location: 2q35.
Variant type: single nucleotide variant.
Coding change: c.1554C>G on transcript NM_000465.4 (MANE Select); coding-DNA position 1554, C replaced by G.
Protein change: p.Ala518=; no amino-acid change (alanine 518 retained).
Molecular consequence: synonymous variant. On other transcripts: non-coding transcript variant (3), intron variant (3).
Genome position (GRCh38, 1-based): chr2:214,767,496, G>C on the plus strand (C>G on the coding strand, the complement: BARD1 is on the minus strand). VCF-style: chr2-214767496-G-C. GRCh37 (hg19) VCF-style: chr2-215632220-G-C.
Other names: c.1497C>G, p.Ala499= (NM_001282543.2); c.159-14941C>G (NM_001282548.2); c.216-14941C>G (NM_001282545.2); c.364+24801C>G (NM_001282549.2).
Identifiers: ClinVar variation 1671473 (VCV001671473.12), dbSNP rs139612775, ClinGen allele CA431128916.

ClinVar aggregate classification (germline): Benign/Likely benign. Review status: criteria provided, multiple submitters, no conflicts (2 of 4 stars). 3 submissions from 3 submitters: Benign (1); Likely benign (2). Last evaluated 2024-07-25.

Conditions:
Hereditary cancer-predisposing syndrome. Also called: Tumor predisposition; Hereditary neoplastic syndrome; Hereditary Cancer Syndrome; Neoplastic Syndromes, Hereditary. Identifiers: Orphanet 140162, MedGen C0027672, MeSH D009386, MONDO:0015356.
Familial cancer of breast. Also called: Hereditary breast cancer; hereditary breast carcinoma; BREAST CANCER, FAMILIAL. Identifiers: Orphanet 227535, MedGen C0346153, MONDO:0016419, OMIM 114480. Disease mechanism: loss of function.

Submissions (3):

Myriad Genetics, Inc.
Classification: Benign for Familial cancer of breast. Last evaluated: 2024-07-25. Review status: criteria provided, single submitter. Criteria: Myriad Autosomal Dominant, Autosomal Recessive and X-Linked Classification Criteria (2023). Collection method: clinical testing. Allele origin: unknown.
Comment: This variant is considered benign. This variant is a silent/synonymous amino acid change and it is not expected to impact splicing.

Ambry Genetics
Classification: Likely benign for Hereditary cancer-predisposing syndrome. Last evaluated: 2022-07-30. Review status: criteria provided, single submitter. Criteria: Ambry Variant Classification Scheme 2023. Collection method: clinical testing. Allele origin: germline.

Labcorp Genetics (formerly Invitae), Labcorp
Classification: Likely benign for Familial cancer of breast. Last evaluated: 2022-05-21. Review status: criteria provided, single submitter. Criteria: Invitae Variant Classification Sherloc (09022015). Collection method: clinical testing. Allele origin: germline.